The following is an entry in ClinVar:

NM_024422.6(DSC2):c.2626C>G (p.Gln876Glu)

Gene: DSC2 (desmocollin 2; minus strand). Cytogenetic location: 18q12.1.
Variant type: single nucleotide variant.
Coding change: c.2626C>G on transcript NM_024422.6 (MANE Select); coding-DNA position 2626, C replaced by G.
Protein change: p.Gln876Glu; replaces glutamine 876 with glutamic acid.
Molecular consequence: missense variant. On other transcripts: 3 prime UTR variant (1).
Genome position (GRCh38, 1-based): chr18:31,068,095, G>C on the plus strand (C>G on the coding strand, the complement: DSC2 is on the minus strand). VCF-style: chr18-31068095-G-C. GRCh37 (hg19) VCF-style: chr18-28648061-G-C.
Other names: c.*128C>G (NM_004949.5); short protein forms Q876E.
Identifiers: ClinVar variation 179501 (VCV000179501.18), dbSNP rs727504906, ClinGen allele CA022449.

ClinVar aggregate classification (germline): Uncertain significance. Review status: criteria provided, multiple submitters, no conflicts (2 of 4 stars). 5 submissions from 5 submitters: Uncertain significance (5). Last evaluated 2024-01-22.

Conditions:
Cardiovascular phenotype. Identifiers: MedGen CN230736.
Familial isolated arrhythmogenic right ventricular dysplasia. Identifiers: Orphanet 217656, MedGen C4274968, MONDO:0016342.
Cardiomyopathy (CMYO). Also called: Cardiomyopathies. Identifiers: Orphanet 167848, MedGen C0878544, MONDO:0004994, HP:0001638. Inheritance: Various modes of inheritance.
Arrhythmogenic right ventricular dysplasia 11. Also called: Arrhythmogenic right ventricular dysplasia 11 with mild palmoplantar keratoderma and woolly hair; Arrhythmogenic Right Ventricular Dysplasia/Cardiomyopathy11; ARRHYTHMOGENIC RIGHT VENTRICULAR DYSPLASIA, FAMILIAL, 11. Identifiers: MedGen C1864850, MONDO:0012506, OMIM 610476.

Allele frequency attached by ClinVar (database versions not stated): gnomAD 0.00001; TOPMed 0.00001.
gnomAD v4.1: 3 of 1,613,776 alleles (0.00019%); highest among the groups gnomAD compares: Non-Finnish European, 0.00025%; no homozygotes.

Submissions (5):

Ambry Genetics
Classification: Uncertain significance for Cardiovascular phenotype. Last evaluated: 2024-01-22. Review status: criteria provided, single submitter. Criteria: Ambry Variant Classification Scheme 2023. Collection method: clinical testing. Allele origin: germline.
Comment: The p.Q876E variant (also known as c.2626C>G), located in coding exon 16 of the DSC2 gene, results from a C to G substitution at nucleotide position 2626. The glutamine at codon 876 is replaced by glutamic acid, an amino acid with highly similar properties. This amino acid position is conserved. In addition, this alteration is predicted to be tolerated by in silico analysis. Based on the available evidence, the clinical significance of this alteration remains unclear.

All of Us Research Program, National Institutes of Health
Classification: Uncertain significance for Familial isolated arrhythmogenic right ventricular dysplasia. Last evaluated: 2023-07-10. Review status: criteria provided, single submitter. Criteria: ACMG Guidelines, 2015. Collection method: clinical testing. Allele origin: germline. Inheritance: Autosomal dominant inheritance. Observed: 1 variant allele, 1 heterozygote.
Comment: This missense variant replaces glutamine with glutamic acid at codon 876 of the DSC2 protein. Computational prediction suggests that this variant may not impact protein structure and function (internally defined REVEL score threshold <= 0.5, PMID: 27666373). To our knowledge, functional studies have not been reported for this variant. This variant has not been reported in individuals affected with DSC2-related disorders in the literature. This variant has been identified in 1/31386 chromosomes in the general population by the Genome Aggregation Database (gnomAD). The available evidence is insufficient to determine the role of this variant in disease conclusively. Therefore, this variant is classified as a Variant of Uncertain Significance.

This study involves interpretation of variants in research participants for the purpose of population health screening. Participant phenotype was not available at the time of variant classification. Additional details can be found in publication PMID: 35346344, PMCID: PMC8962531

Color Diagnostics, LLC DBA Color Health
Classification: Uncertain significance for Cardiomyopathy. Last evaluated: 2022-11-06. Review status: criteria provided, single submitter. Criteria: ACMG Guidelines, 2015. Collection method: clinical testing. Allele origin: germline.
Comment: This missense variant replaces glutamine with glutamic acid at codon 876 of the DSC2 protein. Computational prediction suggests that this variant may not impact protein structure and function (internally defined REVEL score threshold <= 0.5, PMID: 27666373). To our knowledge, functional studies have not been reported for this variant. This variant has not been reported in individuals affected with DSC2-related disorders in the literature. This variant has been identified in 1/31386 chromosomes in the general population by the Genome Aggregation Database (gnomAD). The available evidence is insufficient to determine the role of this variant in disease conclusively. Therefore, this variant is classified as a Variant of Uncertain Significance.

Labcorp Genetics (formerly Invitae), Labcorp
Classification: Uncertain significance for Arrhythmogenic right ventricular dysplasia 11. Last evaluated: 2022-07-26. Review status: criteria provided, single submitter. Criteria: Invitae Variant Classification Sherloc (09022015). Collection method: clinical testing. Allele origin: germline.
Comment: In summary, the available evidence is currently insufficient to determine the role of this variant in disease. Therefore, it has been classified as a Variant of Uncertain Significance. Algorithms developed to predict the effect of missense changes on protein structure and function (SIFT, PolyPhen-2, Align-GVGD) all suggest that this variant is likely to be tolerated. ClinVar contains an entry for this variant (Variation ID: 179501). This variant has not been reported in the literature in individuals affected with DSC2-related conditions. This variant is present in population databases (rs727504906, gnomAD 0.007%). This sequence change replaces glutamine, which is neutral and polar, with glutamic acid, which is acidic and polar, at codon 876 of the DSC2 protein (p.Gln876Glu).

Laboratory for Molecular Medicine, Mass General Brigham Personalized Medicine
Classification: Uncertain significance. Last evaluated: 2014-01-28. Review status: criteria provided, single submitter. Criteria: LMM Criteria. Collection method: clinical testing. Allele origin: germline. Observed: 1 variant allele.
Comment: Variant classified as Uncertain Significance - Favor Benign. The Gln876Glu varia nt in DSC2 has not been reported in individuals with cardiomyopathy or in large population studies. Glutamine (Gln) at position 2626 is not conserved in evoluti on, and several fish species have the variant amino acid (glutamate,Glu) at this position, suggesting that this change may be tolerated. Additional computationa l analyses (biochemical amino acid properties, AlignGVGD, PolyPhen2, and SIFT) d o not provide strong support for or against an impact to the protein. Additional information is needed to fully assess the clinical significance of the Gln876Gl u variant.